The following is an entry in ClinVar:

NM_017654.4(SAMD9):c.865T>C (p.Phe289Leu)

Gene: SAMD9 (sterile alpha motif domain containing 9; minus strand). Cytogenetic location: 7q21.2.
Variant type: single nucleotide variant.
Coding change: c.865T>C on transcript NM_017654.4 (MANE Select); coding-DNA position 865, T replaced by C.
Protein change: p.Phe289Leu; replaces phenylalanine 289 with leucine.
Molecular consequence: missense variant.
Genome position (GRCh38, 1-based): chr7:93,105,233, A>G on the plus strand (T>C on the coding strand, the complement: SAMD9 is on the minus strand). VCF-style: chr7-93105233-A-G. GRCh37 (hg19) VCF-style: chr7-92734546-A-G.
Other names: c.865T>C, p.Phe289Leu (NM_001193307.2); c.865T>C (NM_017654.3); short protein forms F289L.
Identifiers: ClinVar variation 1984139 (VCV001984139.5), dbSNP rs1226186158, ClinGen allele CA368203575.

ClinVar aggregate classification (germline): Uncertain significance. Review status: criteria provided, multiple submitters, no conflicts (2 of 4 stars). 2 submissions from 2 submitters: Uncertain significance (2). Last evaluated 2026-01-26.

Allele frequency attached by ClinVar (database versions not stated): gnomAD 0.00001.
gnomAD v4.1: 3 of 1,613,788 alleles (0.00019%); highest among the groups gnomAD compares: Non-Finnish European, 0.00017%; no homozygotes.

Submissions (2):

GeneDx
Classification: Uncertain significance. Last evaluated: 2026-01-26. Review status: criteria provided, single submitter. Criteria: GeneDx Variant Classification Process June 2021. Collection method: clinical testing. Allele origin: germline.
Comment: Not observed at significant frequency in large population cohorts (gnomAD); In silico analysis supports that this missense variant has a deleterious effect on protein structure/function; Has not been previously published as pathogenic or benign to our knowledge; This variant is associated with the following publications: (PMID: 28545555)

Labcorp Genetics (formerly Invitae), Labcorp
Classification: Uncertain significance. Last evaluated: 2022-04-21. Review status: criteria provided, single submitter. Criteria: Invitae Variant Classification Sherloc (09022015). Collection method: clinical testing. Allele origin: germline.
Comment: In summary, the available evidence is currently insufficient to determine the role of this variant in disease. Therefore, it has been classified as a Variant of Uncertain Significance. Algorithms developed to predict the effect of missense changes on protein structure and function are either unavailable or do not agree on the potential impact of this missense change (SIFT: "Deleterious"; PolyPhen-2: "Probably Damaging"; Align-GVGD: "Class C0"). This variant has not been reported in the literature in individuals affected with SAMD9-related conditions. This variant is present in population databases (no rsID available, gnomAD 0.0009%). This sequence change replaces phenylalanine, which is neutral and non-polar, with leucine, which is neutral and non-polar, at codon 289 of the SAMD9 protein (p.Phe289Leu).